The following is an entry in ClinVar:

ClinVar aggregate classification (germline): Uncertain significance (1 of 4 stars; one submission).

Submission:

Labcorp Genetics (formerly Invitae), Labcorp
Classification: Uncertain significance. Last evaluated: 2024-09-29. Review status: criteria provided, single submitter. Criteria: Invitae Variant Classification Sherloc (09022015). Collection method: clinical testing. Allele origin: germline.
Comment: This sequence change replaces arginine, which is basic and polar, with leucine, which is neutral and non-polar, at codon 483 of the ACAN protein (p.Arg483Leu). This variant is not present in population databases (gnomAD no frequency). This variant has not been reported in the literature in individuals affected with ACAN-related conditions. Invitae Evidence Modeling of protein sequence and biophysical properties (such as structural, functional, and spatial information, amino acid conservation, physicochemical variation, residue mobility, and thermodynamic stability) indicates that this missense variant is not expected to disrupt ACAN protein function with a negative predictive value of 80%. In summary, the available evidence is currently insufficient to determine the role of this variant in disease. Therefore, it has been classified as a Variant of Uncertain Significance.

NM_001369268.1(ACAN):c.1448G>T (p.Arg483Leu)

Gene: ACAN (aggrecan; plus strand). Cytogenetic location: 15q26.1.
Variant type: single nucleotide variant.
Coding change: c.1448G>T on transcript NM_001369268.1 (MANE Select); coding-DNA position 1448, G replaced by T.
Protein change: p.Arg483Leu; replaces arginine 483 with leucine.
Molecular consequence: missense variant.
Genome position (GRCh38, 1-based): chr15:88,847,261, G>T. VCF-style: chr15-88847261-G-T. GRCh37 (hg19) VCF-style: chr15-89390492-G-T.
Other names: c.1448G>T, p.Arg483Leu (NM_001135.4, NM_001411096.1, NM_001411097.1 and 1 more transcripts); short protein forms R483L.
Identifiers: ClinVar variation 3681711 (VCV003681711.2).